The following is an entry in ClinVar:

ClinVar aggregate classification (germline): Pathogenic (1 of 4 stars; one submission).

Conditions:
Cardiovascular phenotype. Identifiers: MedGen CN230736.

gnomAD v4.1: 1 of 1,614,204 alleles (0.000062%); no homozygotes.

Submission:

Ambry Genetics
Classification: Pathogenic for Cardiovascular phenotype. Last evaluated: 2024-05-13. Review status: criteria provided, single submitter. Criteria: Ambry Variant Classification Scheme 2023. Collection method: clinical testing. Allele origin: germline.
Comment: The c.871G>T (p.E291*) alteration, located in exon 5 (coding exon 5) of the CYP27A1 gene, consists of a G to T substitution at nucleotide position 871. This changes the amino acid from a glutamic acid (E) to a stop codon at amino acid position 291. This alteration is expected to result in loss of function by premature protein truncation or nonsense-mediated mRNA decay. This allele was reported in one heterozygous individual in population-based cohorts in the Genome Aggregation Database (gnomAD). Based on the available evidence, this alteration is classified as pathogenic.

NM_000784.4(CYP27A1):c.871G>T (p.Glu291Ter)

Gene: CYP27A1 (cytochrome P450 family 27 subfamily A member 1; plus strand). Cytogenetic location: 2q35.
Variant type: single nucleotide variant.
Coding change: c.871G>T on transcript NM_000784.4 (MANE Select); coding-DNA position 871, G replaced by T.
Protein change: p.Glu291Ter; replaces glutamic acid 291 with a stop codon.
Molecular consequence: nonsense.
Genome position (GRCh38, 1-based): chr2:218,812,950, G>T. VCF-style: chr2-218812950-G-T. GRCh37 (hg19) VCF-style: chr2-219677673-G-T.
Other names: short protein forms E291*.
Identifiers: ClinVar variation 3270535 (VCV003270535.1).